The following is an entry in ClinVar:

ClinVar aggregate classification (germline): Uncertain significance (1 of 4 stars; one submission).

Submission:

Labcorp Genetics (formerly Invitae), Labcorp
Classification: Uncertain significance. Last evaluated: 2022-05-27. Review status: criteria provided, single submitter. Criteria: Invitae Variant Classification Sherloc (09022015). Collection method: clinical testing. Allele origin: germline.
Comment: This sequence change replaces tyrosine, which is neutral and polar, with aspartic acid, which is acidic and polar, at codon 169 of the HOXB13 protein (p.Tyr169Asp). This variant is not present in population databases (gnomAD no frequency). In summary, the available evidence is currently insufficient to determine the role of this variant in disease. Therefore, it has been classified as a Variant of Uncertain Significance. Algorithms developed to predict the effect of missense changes on protein structure and function are either unavailable or do not agree on the potential impact of this missense change (SIFT: "Deleterious"; PolyPhen-2: "Probably Damaging"; Align-GVGD: "Class C0"). This variant has not been reported in the literature in individuals affected with HOXB13-related conditions.

NM_006361.6(HOXB13):c.505T>G (p.Tyr169Asp)

Gene: HOXB13 (homeobox B13; minus strand). Cytogenetic location: 17q21.32.
Variant type: single nucleotide variant.
Coding change: c.505T>G on transcript NM_006361.6 (MANE Select); coding-DNA position 505, T replaced by G.
Protein change: p.Tyr169Asp; replaces tyrosine 169 with aspartic acid.
Molecular consequence: missense variant.
Genome position (GRCh38, 1-based): chr17:48,728,089, A>C on the plus strand (T>G on the coding strand, the complement: HOXB13 is on the minus strand). VCF-style: chr17-48728089-A-C. GRCh37 (hg19) VCF-style: chr17-46805451-A-C.
Other names: short protein forms Y169D.
Identifiers: ClinVar variation 1999633 (VCV001999633.4), dbSNP rs1597933974, ClinGen allele CA400107313.
Genomic context (GRCh38, chr17:48,728,089, plus strand): 5'-TCTGTTCTCCCTGGCAACACATCTGGCTGTTCCAGCCACCAGCGAGAGCCCAAGACTGGT[A>C]ACTGTCCACAGGCAACAGGGAGTCATGTCGCGGTTCTCCAGGAGCACCCAGAGTCTGCAC-3'
Protein context (NP_006352.2, residues 159-179): RHDSLLPVDS[Tyr169Asp]QSWALAGGWN